The following is an entry in ClinVar:

ClinVar aggregate classification (germline): Uncertain significance (1 of 4 stars; one submission).

Allele frequency attached by ClinVar (database versions not stated): ExAC 0.00001; gnomAD exomes 0.00001.

Submission:

Labcorp Genetics (formerly Invitae), Labcorp
Classification: Uncertain significance. Last evaluated: 2022-05-08. Review status: criteria provided, single submitter. Criteria: Invitae Variant Classification Sherloc (09022015). Collection method: clinical testing. Allele origin: germline.
Comment: This sequence change replaces leucine, which is neutral and non-polar, with phenylalanine, which is neutral and non-polar, at codon 241 of the PLK4 protein (p.Leu241Phe). This variant is present in population databases (rs776389260, gnomAD 0.006%). This variant has not been reported in the literature in individuals affected with PLK4-related conditions. Algorithms developed to predict the effect of missense changes on protein structure and function are either unavailable or do not agree on the potential impact of this missense change (SIFT: "Deleterious"; PolyPhen-2: "Probably Damaging"; Align-GVGD: "Class C15"). In summary, the available evidence is currently insufficient to determine the role of this variant in disease. Therefore, it has been classified as a Variant of Uncertain Significance.

NM_014264.5(PLK4):c.721C>T (p.Leu241Phe)

Gene: PLK4 (polo like kinase 4; plus strand). Cytogenetic location: 4q28.1.
Variant type: single nucleotide variant.
Coding change: c.721C>T on transcript NM_014264.5 (MANE Select); coding-DNA position 721, C replaced by T.
Protein change: p.Leu241Phe; replaces leucine 241 with phenylalanine.
Molecular consequence: missense variant.
Genome position (GRCh38, 1-based): chr4:127,886,091, C>T. VCF-style: chr4-127886091-C-T. GRCh37 (hg19) VCF-style: chr4-128807246-C-T.
Other names: c.625C>T, p.Leu209Phe (NM_001190799.2); c.598C>T, p.Leu200Phe (NM_001190801.2); short protein forms L200F, L209F, L241F.
Identifiers: ClinVar variation 1438218 (VCV001438218.3), dbSNP rs776389260, ClinGen allele CA3076623.